The following is an entry in ClinVar:

NM_031935.3(HMCN1):c.4369A>G (p.Thr1457Ala)

Gene: HMCN1 (hemicentin 1; plus strand). Cytogenetic location: 1q31.1.
Variant type: single nucleotide variant.
Coding change: c.4369A>G on transcript NM_031935.3 (MANE Select); coding-DNA position 4369, A replaced by G.
Protein change: p.Thr1457Ala; replaces threonine 1457 with alanine.
Molecular consequence: missense variant.
Genome position (GRCh38, 1-based): chr1:186,003,738, A>G. VCF-style: chr1-186003738-A-G. GRCh37 (hg19) VCF-style: chr1-185972870-A-G.
Other names: short protein forms T1457A.
Identifiers: ClinVar variation 2019876 (VCV002019876.4), dbSNP rs2527462530, ClinGen allele CA343878429.

ClinVar aggregate classification (germline): Uncertain significance (1 of 4 stars; one submission).

Submission:

Labcorp Genetics (formerly Invitae), Labcorp
Classification: Uncertain significance. Last evaluated: 2021-11-30. Review status: criteria provided, single submitter. Criteria: Invitae Variant Classification Sherloc (09022015). Collection method: clinical testing. Allele origin: germline.
Comment: This variant has not been reported in the literature in individuals affected with HMCN1-related conditions. In summary, the available evidence is currently insufficient to determine the role of this variant in disease. Therefore, it has been classified as a Variant of Uncertain Significance. Algorithms developed to predict the effect of missense changes on protein structure and function output the following: SIFT: "Tolerated"; PolyPhen-2: "Benign"; Align-GVGD: "Class C0". The alanine amino acid residue is found in multiple mammalian species, which suggests that this missense change does not adversely affect protein function. This variant is not present in population databases (gnomAD no frequency). This sequence change replaces threonine, which is neutral and polar, with alanine, which is neutral and non-polar, at codon 1457 of the HMCN1 protein (p.Thr1457Ala).